The following is an entry in ClinVar:

ClinVar aggregate classification (germline): Uncertain significance (1 of 4 stars; one submission).

Submission:

ARUP Laboratories, Molecular Genetics and Genomics, ARUP Laboratories
Classification: Uncertain significance. Last evaluated: 2022-08-16. Review status: criteria provided, single submitter. Criteria: ARUP Molecular Germline Variant Investigation Process 2021. Collection method: clinical testing. Allele origin: germline.
Comment: The CACNA1C c.3991_3993del; p.Pro1331del variant, also annotated as c.3946-21_3946-19del in transcript NM_000719.7, is not reported in the medical literature or gene specific databases, to our knowledge. This variant is also absent from general population databases (Exome Variant Server, Genome Aggregation Database), indicating it is not a common polymorphism. This variant deletes a single weakly conserved proline residue in a lowly expressed alternate exon, leaving the rest of the protein in-frame. Due to limited information, the clinical significance of this variant is uncertain at this time.

NM_000719.7(CACNA1C):c.3946-21_3946-19del

Gene: CACNA1C (calcium voltage-gated channel subunit alpha1 C; plus strand). Cytogenetic location: 12p13.33.
Variant type: Microsatellite.
Coding change: c.3946-21_3946-19del on transcript NM_000719.7 (MANE Select); 21 bases into the intron before coding-DNA position 3946 through 19 bases into the intron before coding-DNA position 3946, 3 bases deleted (CCT; older notation c.3946-21_3946-19delCCT).
Molecular consequence: intron variant. On other transcripts: inframe deletion (1).
Genome position (GRCh38, 1-based): chr12:2,651,619-2,651,621, CCT deleted; deleting any 3 consecutive bases within chr12:2,651,616-2,651,621 gives the same sequence; the c. name uses the placement nearest the transcript's 3' end. VCF-style (leftmost placement, unchanged base first): chr12-2651615-ACCT-A. GRCh37 (hg19) VCF-style: chr12-2760781-ACCT-A.
Other names: c.3988CCT[1], p.Pro1331del (NM_001129829.2); c.3946-21_3946-19del (NM_001167624.3, NM_001167623.2, NM_001129840.2 and 7 more transcripts); c.3913-21_3913-19del (NM_001167625.2, NM_001129837.2, NM_001129838.2 and 1 more transcripts); c.4090-21_4090-19del (NM_199460.4, NM_001129827.2); c.4006-21_4006-19del (NM_001129832.2); c.4030-21_4030-19del (NM_001129831.2); c.3907-21_3907-19del (NM_001129839.2); c.3997-21_3997-19del (NM_001129836.2); and 1 more; short protein forms P1331del.
Identifiers: ClinVar variation 2428562 (VCV002428562.3), dbSNP rs2527670803, ClinGen allele CA2580615144.